The following is an entry in ClinVar:

NM_000455.5(STK11):c.1193C>G (p.Ala398Gly)

Gene: STK11 (serine/threonine kinase 11; plus strand). Cytogenetic location: 19p13.3.
Variant type: single nucleotide variant.
Coding change: c.1193C>G on transcript NM_000455.5 (MANE Select); coding-DNA position 1193, C replaced by G.
Protein change: p.Ala398Gly; replaces alanine 398 with glycine.
Molecular consequence: missense variant.
Genome position (GRCh38, 1-based): chr19:1,226,538, C>G. VCF-style: chr19-1226538-C-G. GRCh37 (hg19) VCF-style: chr19-1226537-C-G.
Other names: short protein forms A398G.
Identifiers: ClinVar variation 1409016 (VCV001409016.8), dbSNP rs768058962, ClinGen allele CA045854.

ClinVar aggregate classification (germline): Uncertain significance (1 of 4 stars; one submission).

Conditions:
Peutz-Jeghers syndrome (PJS). Also called: POLYPOSIS, HAMARTOMATOUS INTESTINAL; POLYPS-AND-SPOTS SYNDROME; Peutz-Jeghers polyposis; Periorificial lentiginosis syndrome. Identifiers: Orphanet 2869, MedGen C0031269, MeSH D010580, MONDO:0008280, OMIM 175200.

Allele frequency attached by ClinVar (database versions not stated): ExAC 0.00003.
gnomAD v4.1: 2 of 1,605,436 alleles (0.00012%); highest among the groups gnomAD compares: East Asian, 0.0045%; no homozygotes.

Submission:

Labcorp Genetics (formerly Invitae), Labcorp
Classification: Uncertain significance for Peutz-Jeghers syndrome. Last evaluated: 2021-02-14. Review status: criteria provided, single submitter. Criteria: Invitae Variant Classification Sherloc (09022015). Collection method: clinical testing. Allele origin: germline.
Comment: In summary, the available evidence is currently insufficient to determine the role of this variant in disease. Therefore, it has been classified as a Variant of Uncertain Significance. Advanced modeling of protein sequence and biophysical properties (such as structural, functional, and spatial information, amino acid conservation, physicochemical variation, residue mobility, and thermodynamic stability) performed at Invitae indicates that this missense variant is not expected to disrupt STK11 protein function. This sequence change replaces alanine with glycine at codon 398 of the STK11 protein (p.Ala398Gly). The alanine residue is weakly conserved and there is a small physicochemical difference between alanine and glycine. This variant is present in population databases (rs768058962, ExAC 0.04%). This variant has not been reported in the literature in individuals with STK11-related conditions.